The following is an entry in ClinVar:

NM_002230.4(JUP):c.1039G>A (p.Ala347Thr)

Gene: JUP (junction plakoglobin; minus strand). Cytogenetic location: 17q21.2.
Variant type: single nucleotide variant.
Coding change: c.1039G>A on transcript NM_002230.4 (MANE Select); coding-DNA position 1039, G replaced by A.
Protein change: p.Ala347Thr; replaces alanine 347 with threonine.
Molecular consequence: missense variant.
Genome position (GRCh38, 1-based): chr17:41,764,938, C>T on the plus strand (G>A on the coding strand, the complement: JUP is on the minus strand). VCF-style: chr17-41764938-C-T. GRCh37 (hg19) VCF-style: chr17-39921190-C-T.
Other names: c.1039G>A, p.Ala347Thr (NM_001352773.2, NM_001352774.2, NM_001352775.2 and 3 more transcripts); short protein forms A347T.
Identifiers: ClinVar variation 234601 (VCV000234601.24), dbSNP rs782301706, ClinGen allele CA8565314.

ClinVar aggregate classification (germline): Conflicting classifications of pathogenicity. Review status: criteria provided, conflicting classifications (1 of 4 stars). 4 submissions from 4 submitters: Uncertain significance (3); Likely benign (1). Last evaluated 2025-08-18.

Conditions:
Cardiovascular phenotype. Identifiers: MedGen CN230736.
Naxos disease (NXD). Also called: KERATOSIS PALMOPLANTARIS WITH ARRHYTHMOGENIC CARDIOMYOPATHY; MAL DE NAXOS; PALMOPLANTAR KERATODERMA WITH ARRHYTHMOGENIC RIGHT VENTRICULAR CARDIOMYOPATHY AND WOOLLY HAIR; CARDIOMYOPATHY, ARRHYTHMOGENIC RIGHT VENTRICULAR, WITH SKIN, HAIR, AND NAIL ABNORMALITIES; WOOLLY HAIR, PALMOPLANTAR KERATODERMA, AND CARDIAC ABNORMALITIES. Identifiers: Orphanet 34217, MedGen C1832600, MONDO:0011017, OMIM 601214.
Arrhythmogenic right ventricular dysplasia 12. Also called: ARRHYTHMOGENIC RIGHT VENTRICULAR DYSPLASIA, FAMILIAL, 12. Identifiers: MedGen C1969081, MONDO:0012684, OMIM 611528.

Allele frequency attached by ClinVar (database versions not stated): ExAC 0.00002; gnomAD exomes 0.00002; TOPMed 0.00002; gnomAD 0.00005.
gnomAD v4.1: 40 of 1,614,064 alleles (0.0025%); highest among the groups gnomAD compares: Admixed American, 0.0033%; no homozygotes.

Submissions (4):

Labcorp Genetics (formerly Invitae), Labcorp
Classification: Uncertain significance for Arrhythmogenic right ventricular dysplasia 12; Naxos disease. Last evaluated: 2025-08-18. Review status: criteria provided, single submitter. Criteria: Invitae Variant Classification Sherloc (09022015). Collection method: clinical testing. Allele origin: germline.
Comment: This sequence change replaces alanine, which is neutral and non-polar, with threonine, which is neutral and polar, at codon 347 of the JUP protein (p.Ala347Thr). This variant is present in population databases (rs782301706, gnomAD 0.004%). This missense change has been observed in individual(s) with clinical features of JUP-related condtions (PMID: 30847666, 36788754). ClinVar contains an entry for this variant (Variation ID: 234601). An algorithm developed to predict the effect of missense changes on protein structure and function (PolyPhen-2) suggests that this variant is likely to be disruptive. In summary, the available evidence is currently insufficient to determine the role of this variant in disease. Therefore, it has been classified as a Variant of Uncertain Significance.

Ambry Genetics
Classification: Likely benign for Cardiovascular phenotype. Last evaluated: 2021-09-03. Review status: criteria provided, single submitter. Criteria: Ambry Variant Classification Scheme 2023. Collection method: clinical testing. Allele origin: germline.

Fulgent Genetics
Classification: Uncertain significance for Naxos disease; Arrhythmogenic right ventricular dysplasia 12. Last evaluated: 2021-08-17. Review status: criteria provided, single submitter. Criteria: ACMG Guidelines, 2015. Collection method: clinical testing. Allele origin: unknown.

GeneDx
Classification: Uncertain significance. Last evaluated: 2015-11-12. Review status: criteria provided, single submitter. Criteria: GeneDx Variant Classification (06012015). Collection method: clinical testing. Allele origin: germline. Affected: yes.
Comment: The A347T variant has not been published as a pathogenic variant, nor has it been reported as a benign variant to our knowledge. This variant was not observed in approximately 6,500 individuals of European and African American ancestry in the NHLBI Exome Sequencing Project, indicating it is not a common benign variant in these populations. The A347T variant is a non-conservative amino acid substitution, which is likely to impact secondary protein structure as these residues differ in polarity, charge, size and/or other properties. This substitution occurs at a position that is conserved across species and in silico analysis predicts this variant is probably damaging to the protein structure/function. However, no missense variants in nearby residues have been reported in the Human Gene Mutation Database (Stenson et al., 2014).

Literature cited by the submitters: PubMed 30847666 (cited by Labcorp Genetics (formerly Invitae), Labcorp); PubMed 36788754 (cited by Labcorp Genetics (formerly Invitae), Labcorp).